The following is an entry in ClinVar:

NM_001261826.3(AP3D1):c.2534A>G (p.Lys845Arg)

Gene: AP3D1 (adaptor related protein complex 3 subunit delta 1; minus strand). Cytogenetic location: 19p13.3.
Variant type: single nucleotide variant.
Coding change: c.2534A>G on transcript NM_001261826.3 (MANE Select); coding-DNA position 2534, A replaced by G.
Protein change: p.Lys845Arg; replaces lysine 845 with arginine.
Molecular consequence: missense variant.
Genome position (GRCh38, 1-based): chr19:2,114,192, T>C on the plus strand (A>G on the coding strand, the complement: AP3D1 is on the minus strand). VCF-style: chr19-2114192-T-C. GRCh37 (hg19) VCF-style: chr19-2114191-T-C.
Other names: c.2534A>G, p.Lys845Arg (NM_001374799.1, NM_003938.8); short protein forms K845R.
Identifiers: ClinVar variation 1407092 (VCV001407092.8), dbSNP rs2145034943, ClinGen allele CA403208307.

ClinVar aggregate classification (germline): Uncertain significance (1 of 4 stars; one submission).

Allele frequency attached by ClinVar (database versions not stated): gnomAD exomes 0.00001.
gnomAD v4.1: 9 of 1,608,848 alleles (0.00056%); highest among the groups gnomAD compares: Non-Finnish European, 0.00076%; no homozygotes.

Submission:

Labcorp Genetics (formerly Invitae), Labcorp
Classification: Uncertain significance. Last evaluated: 2023-11-11. Review status: criteria provided, single submitter. Criteria: Invitae Variant Classification Sherloc (09022015). Collection method: clinical testing. Allele origin: germline.
Comment: This sequence change replaces lysine, which is basic and polar, with arginine, which is basic and polar, at codon 845 of the AP3D1 protein (p.Lys845Arg). This variant is not present in population databases (gnomAD no frequency). This variant has not been reported in the literature in individuals affected with AP3D1-related conditions. ClinVar contains an entry for this variant (Variation ID: 1407092). Algorithms developed to predict the effect of missense changes on protein structure and function output the following: SIFT: "Not Available"; PolyPhen-2: "Benign"; Align-GVGD: "Not Available". The arginine amino acid residue is found in multiple mammalian species, which suggests that this missense change does not adversely affect protein function. In summary, the available evidence is currently insufficient to determine the role of this variant in disease. Therefore, it has been classified as a Variant of Uncertain Significance.